The following is an entry in ClinVar:

NM_001015877.2(PHF6):c.875G>A (p.Cys292Tyr)

Gene: PHF6 (PHD finger protein 6; plus strand). Cytogenetic location: Xq26.2.
Variant type: single nucleotide variant.
Coding change: c.875G>A on transcript NM_001015877.2 (MANE Select); coding-DNA position 875, G replaced by A.
Protein change: p.Cys292Tyr; replaces cysteine 292 with tyrosine.
Molecular consequence: missense variant.
Genome position (GRCh38, 1-based): chrX:134,417,209, G>A. VCF-style: chrX-134417209-G-A. GRCh37 (hg19) VCF-style: chrX-133551239-G-A.
Other names: c.875G>A, p.Cys292Tyr (NM_032458.3); short protein forms C292Y.
Identifiers: ClinVar variation 421387 (VCV000421387.2), dbSNP rs1064795103, ClinGen allele CA16621202.

ClinVar aggregate classification (germline): Likely pathogenic (1 of 4 stars; one submission).

Submission:

GeneDx
Classification: Likely pathogenic. Last evaluated: 2018-08-15. Review status: criteria provided, single submitter. Criteria: GeneDx Variant Classification (06012015). Collection method: clinical testing. Allele origin: germline. Affected: yes.
Comment: The C292Y variant in the PHF6 gene has not been reported previously as a pathogenic variant, nor as a benign variant, to our knowledge. The C292Y variant was not observed in approximately 6500 individuals of European and African American ancestry in the NHLBI Exome Sequencing Project, indicating it is not a common benign variant in these populations. The C292Y variant is a non-conservative amino acid substitution, which is likely to impact secondary protein structure as these residues differ in polarity, charge, size and/or other properties. This substitution occurs at a position that is conserved across species, and in silico analysis predicts this variant is probably damaging to the protein structure/function. The C292Y variant is a strong candidate for a pathogenic variant